The following is an entry in ClinVar:

NM_001367624.2(ZNF469):c.5880G>A (p.Gly1960=)

Gene: ZNF469 (zinc finger protein 469; plus strand). Cytogenetic location: 16q24.2.
Variant type: single nucleotide variant.
Coding change: c.5880G>A on transcript NM_001367624.2 (MANE Select); coding-DNA position 5880, G replaced by A.
Protein change: p.Gly1960=; no amino-acid change (glycine 1960 retained).
Molecular consequence: synonymous variant.
Genome position (GRCh38, 1-based): chr16:88,433,350, G>A. VCF-style: chr16-88433350-G-A. GRCh37 (hg19) VCF-style: chr16-88499758-G-A.
Other names: NM_001127464.1:c.5796G>A; p.Gly1960=.
Identifiers: ClinVar variation 1749682 (VCV001749682.6), dbSNP rs1467008543, ClinGen allele CA497355723.

ClinVar aggregate classification (germline): Likely benign. Review status: criteria provided, multiple submitters, no conflicts (2 of 4 stars). 3 submissions from 3 submitters: Likely benign (3). Last evaluated 2025-10-07.

Conditions:
Cardiovascular phenotype. Identifiers: MedGen CN230736.

Allele frequency attached by ClinVar (database versions not stated): gnomAD 0.00001; TOPMed 0.00001.
gnomAD v4.1: 59 of 1,550,188 alleles (0.0038%); highest among the groups gnomAD compares: Non-Finnish European, 0.0049%; no homozygotes.

Submissions (3):

Mayo Clinic Laboratories, Mayo Clinic
Classification: Likely benign. Last evaluated: 2025-10-07. Review status: criteria provided, single submitter. Criteria: ACMG Guidelines, 2015. Collection method: clinical testing. Allele origin: germline. Observed: 1 variant allele.
Comment: BP4, BP7

Labcorp Genetics (formerly Invitae), Labcorp
Classification: Likely benign. Last evaluated: 2024-06-05. Review status: criteria provided, single submitter. Criteria: Invitae Variant Classification Sherloc (09022015). Collection method: clinical testing. Allele origin: germline.

Ambry Genetics
Classification: Likely benign for Cardiovascular phenotype. Last evaluated: 2022-01-23. Review status: criteria provided, single submitter. Criteria: Ambry Variant Classification Scheme 2023. Collection method: clinical testing. Allele origin: germline.